The following is an entry in ClinVar:

ClinVar aggregate classification (germline): Uncertain significance (1 of 4 stars; one submission).

Allele frequency attached by ClinVar (database versions not stated): gnomAD exomes below 0.00001; gnomAD 0.00001.
gnomAD v4.1: 3 of 1,613,620 alleles (0.00019%); highest among the groups gnomAD compares: Admixed American, 0.005%; no homozygotes.

Submission:

Labcorp Genetics (formerly Invitae), Labcorp
Classification: Uncertain significance. Last evaluated: 2022-06-11. Review status: criteria provided, single submitter. Criteria: Invitae Variant Classification Sherloc (09022015). Collection method: clinical testing. Allele origin: germline.
Comment: This variant has not been reported in the literature in individuals affected with ADGRV1-related conditions. This variant is not present in population databases (gnomAD no frequency). This sequence change replaces phenylalanine, which is neutral and non-polar, with leucine, which is neutral and non-polar, at codon 710 of the ADGRV1 protein (p.Phe710Leu). Algorithms developed to predict the effect of missense changes on protein structure and function are either unavailable or do not agree on the potential impact of this missense change (SIFT: "Deleterious"; PolyPhen-2: "Possibly Damaging"; Align-GVGD: "Class C0"). In summary, the available evidence is currently insufficient to determine the role of this variant in disease. Therefore, it has been classified as a Variant of Uncertain Significance.

NM_032119.4(ADGRV1):c.2130T>G (p.Phe710Leu)

Gene: ADGRV1 (adhesion G protein-coupled receptor V1; plus strand). Cytogenetic location: 5q14.3.
Variant type: single nucleotide variant.
Coding change: c.2130T>G on transcript NM_032119.4 (MANE Select); coding-DNA position 2130, T replaced by G.
Protein change: p.Phe710Leu; replaces phenylalanine 710 with leucine.
Molecular consequence: missense variant. On other transcripts: non-coding transcript variant (1).
Genome position (GRCh38, 1-based): chr5:90,637,838, T>G. VCF-style: chr5-90637838-T-G. GRCh37 (hg19) VCF-style: chr5-89933655-T-G.
Other names: short protein forms F710L.
Identifiers: ClinVar variation 1912448 (VCV001912448.5), dbSNP rs1357523123, ClinGen allele CA360384034.